The following is an entry in ClinVar:

ClinVar aggregate classification (germline): Uncertain significance (1 of 4 stars; one submission).

Conditions:
Autosomal dominant childhood-onset proximal spinal muscular atrophy with contractures (SMALED2A). Also called: SPINAL MUSCULAR ATROPHY, LOWER EXTREMITY-PREDOMINANT, 2A, CHILDHOOD ONSET, AUTOSOMAL DOMINANT; Spinal muscular atrophy, lower extremity-predominant, 2A, autosomal dominant. Identifiers: Orphanet 363447, Orphanet 363454, MedGen C4747715, MONDO:0014121, OMIM 615290.

Allele frequency attached by ClinVar (database versions not stated): 1000 Genomes Project 30x 0.00016; 1000 Genomes Project 0.00020.
gnomAD v4.1: 22 of 1,601,066 alleles (0.0014%); highest among the groups gnomAD compares: Non-Finnish European, 0.0017%; no homozygotes.

Submission:

Labcorp Genetics (formerly Invitae), Labcorp
Classification: Uncertain significance for Autosomal dominant childhood-onset proximal spinal muscular atrophy with contractures. Last evaluated: 2025-10-17. Review status: criteria provided, single submitter. Criteria: Invitae Variant Classification Sherloc (09022015). Collection method: clinical testing. Allele origin: germline.
Comment: This sequence change falls in intron 5 of the BICD2 gene. It does not directly change the encoded amino acid sequence of the BICD2 protein. It affects a nucleotide within the consensus splice site. This variant is present in population databases (rs201184890, gnomAD no frequency). This variant has not been reported in the literature in individuals affected with BICD2-related conditions. ClinVar contains an entry for this variant (Variation ID: 1428833). Variants that disrupt the consensus splice site are a relatively common cause of aberrant splicing (PMID: 17576681, 9536098). Algorithms developed to predict the effect of sequence changes on RNA splicing suggest that this variant is not likely to affect RNA splicing. In summary, the available evidence is currently insufficient to determine the role of this variant in disease. Therefore, it has been classified as a Variant of Uncertain Significance.

Literature cited by the submitters: PubMed 17576681; PubMed 9536098.

NM_001003800.2(BICD2):c.2106+6G>C

Gene: BICD2 (BICD cargo adaptor 2; minus strand). Cytogenetic location: 9q22.31.
Variant type: single nucleotide variant.
Coding change: c.2106+6G>C on transcript NM_001003800.2 (MANE Select); 6 bases into the intron after coding-DNA position 2106, G replaced by C.
Molecular consequence: intron variant.
Genome position (GRCh38, 1-based): chr9:92,718,533, C>G on the plus strand (G>C on the coding strand, the complement: BICD2 is on the minus strand). VCF-style: chr9-92718533-C-G. GRCh37 (hg19) VCF-style: chr9-95480815-C-G.
Other names: c.2106+6G>C (NM_015250.4).
Identifiers: ClinVar variation 1428833 (VCV001428833.6), dbSNP rs201184890, ClinGen allele CA196339626.